The following is an entry in ClinVar:

ClinVar aggregate classification (germline): Uncertain significance. Review status: criteria provided, multiple submitters, no conflicts (2 of 4 stars). 3 submissions from 3 submitters: Uncertain significance (3). Last evaluated 2025-09-23.

Conditions:
Periventricular nodular heterotopia 7 (PVNH7). Identifiers: MedGen C4310669, MONDO:0014966, OMIM 617201.

Allele frequency attached by ClinVar (database versions not stated): ExAC 0.00002; gnomAD 0.00002; gnomAD exomes 0.00002; TOPMed 0.00005.
gnomAD v4.1: 13 of 1,613,470 alleles (0.00081%); highest among the groups gnomAD compares: African/African-American, 0.004%; no homozygotes.

Submissions (3):

Women's Health and Genetics/Laboratory Corporation of America, LabCorp
Classification: Uncertain significance. Last evaluated: 2025-09-23. Review status: criteria provided, single submitter. Criteria: LabCorp Variant Classification Summary - May 2015. Collection method: clinical testing. Allele origin: germline.
Comment: Variant summary: NEDD4L c.2873G>A (p.Arg958Gln) results in a conservative amino acid change in the encoded protein sequence. Algorithms developed to predict the effect of missense changes on protein structure and function are either unavailable or do not agree on the potential impact of this missense change. The variant allele was found at a frequency of 1.6e-05 in 248900 control chromosomes. The available data on variant occurrences in the general population are insufficient to allow any conclusion about variant significance. To our knowledge, no occurrence of c.2873G>A in individuals affected with NEDD4L-related conditions and no experimental evidence demonstrating its impact on protein function have been reported. ClinVar contains an entry for this variant (Variation ID: 966428). Based on the evidence outlined above, the variant was classified as uncertain significance.

Labcorp Genetics (formerly Invitae), Labcorp
Classification: Uncertain significance. Last evaluated: 2022-09-09. Review status: criteria provided, single submitter. Criteria: Invitae Variant Classification Sherloc (09022015). Collection method: clinical testing. Allele origin: germline.
Comment: In summary, the available evidence is currently insufficient to determine the role of this variant in disease. Therefore, it has been classified as a Variant of Uncertain Significance. Advanced modeling of protein sequence and biophysical properties (such as structural, functional, and spatial information, amino acid conservation, physicochemical variation, residue mobility, and thermodynamic stability) performed at Invitae indicates that this missense variant is not expected to disrupt NEDD4L protein function. ClinVar contains an entry for this variant (Variation ID: 966428). This variant has not been reported in the literature in individuals affected with NEDD4L-related conditions. This variant is present in population databases (rs777624478, gnomAD 0.008%). This sequence change replaces arginine, which is basic and polar, with glutamine, which is neutral and polar, at codon 938 of the NEDD4L protein (p.Arg938Gln).

Fulgent Genetics
Classification: Uncertain significance for Periventricular nodular heterotopia 7. Last evaluated: 2022-04-11. Review status: criteria provided, single submitter. Criteria: ACMG Guidelines, 2015. Collection method: clinical testing. Allele origin: unknown.

NM_001144967.3(NEDD4L):c.2873G>A (p.Arg958Gln)

Gene: NEDD4L (NEDD4 like E3 ubiquitin protein ligase; plus strand). Cytogenetic location: 18q21.31.
Variant type: single nucleotide variant.
Coding change: c.2873G>A on transcript NM_001144967.3 (MANE Select); coding-DNA position 2873, G replaced by A.
Protein change: p.Arg958Gln; replaces arginine 958 with glutamine.
Molecular consequence: missense variant.
Genome position (GRCh38, 1-based): chr18:58,396,214, G>A. VCF-style: chr18-58396214-G-A. GRCh37 (hg19) VCF-style: chr18-56063446-G-A.
Other names: c.2510G>A, p.Arg837Gln (NM_001144964.1, NM_001144965.2, NM_001144966.3); c.2849G>A, p.Arg950Gln (NM_001144968.2); c.2789G>A, p.Arg930Gln (NM_001144969.2); c.2450G>A, p.Arg817Gln (NM_001144970.3, NM_001144971.2); c.2681G>A, p.Arg894Gln (NM_001243960.2); c.2813G>A, p.Arg938Gln (NM_015277.6); short protein forms R837Q, R894Q, R958Q, R817Q, R950Q, R930Q, R938Q.
Identifiers: ClinVar variation 966428 (VCV000966428.11), dbSNP rs777624478, ClinGen allele CA8976070.